The following is an entry in ClinVar:

NM_003542.4(H4C3):c.54C>T (p.Arg18=)

Gene: H4C3 (H4 clustered histone 3; plus strand). Cytogenetic location: 6p22.2.
Variant type: single nucleotide variant.
Coding change: c.54C>T on transcript NM_003542.4 (MANE Select); coding-DNA position 54, C replaced by T.
Protein change: p.Arg18=; no amino-acid change (arginine 18 retained).
Molecular consequence: synonymous variant.
Genome position (GRCh38, 1-based): chr6:26,104,001, C>T. VCF-style: chr6-26104001-C-T. GRCh37 (hg19) VCF-style: chr6-26104229-C-T.
Identifiers: ClinVar variation 5039417 (VCV005039417.1).

ClinVar aggregate classification (germline): Likely benign (1 of 4 stars; one submission).

Submission:

CeGaT Center for Human Genetics Tuebingen
Classification: Likely benign. Last evaluated: 2026-07-01. Review status: criteria provided, single submitter. Criteria: CeGaT Center For Human Genetics Tuebingen Variant Classification Criteria Version 2. Collection method: clinical testing. Allele origin: germline. Affected: yes. Observed: 1 variant allele.
Comment: H4C3: BP4, BP7